The following is an entry in ClinVar:

ClinVar aggregate classification (germline): Pathogenic (1 of 4 stars; one submission).

Submission:

Labcorp Genetics (formerly Invitae), Labcorp
Classification: Pathogenic. Last evaluated: 2024-04-17. Review status: criteria provided, single submitter. Criteria: Invitae Variant Classification Sherloc (09022015). Collection method: clinical testing. Allele origin: germline.
Comment: This sequence change results in a frameshift in the PRPF8 gene (p.Glu2331Ilefs*30). While this is not anticipated to result in nonsense mediated decay, it is expected to disrupt the last 5 amino acid(s) of the PRPF8 protein and extend the protein by 24 additional amino acid residues. This variant is not present in population databases (gnomAD no frequency). This variant has not been reported in the literature in individuals affected with PRPF8-related conditions. ClinVar contains an entry for this variant (Variation ID: 1346521). This variant disrupts a region of the PRPF8 protein in which other variant(s) (p.Tyr2334Asn) have been determined to be pathogenic (PMID: 20232351, 21378395, 28515276; Invitae). This suggests that this is a clinically significant region of the protein, and that variants that disrupt it are likely to be disease-causing. For these reasons, this variant has been classified as Pathogenic.

Literature cited by the submitters: PubMed 20232351; PubMed 21378395; PubMed 28515276.

NM_006445.4(PRPF8):c.6986_6990dup (p.Glu2331fs)

Gene: PRPF8 (pre-mRNA processing factor 8; minus strand). Cytogenetic location: 17p13.3.
Variant type: Duplication.
Coding change: c.6986_6990dup on transcript NM_006445.4 (MANE Select); coding-DNA positions 6986 to 6990, 5 bases duplicated (ATCGG; older notation c.6986_6990dupATCGG).
Protein change: p.Glu2331fs; shifts the reading frame from glutamic acid 2331.
Molecular consequence: frameshift variant.
Genome position (GRCh38, 1-based): chr17:1,650,820-1,650,824, CCGAT duplicated on the plus strand (ATCGG on the coding strand, the reverse complement: PRPF8 is on the minus strand); duplicating any 5 consecutive bases within chr17:1,650,820-1,650,827 gives the same sequence; the c. name uses the placement nearest the transcript's 3' end. VCF-style (leftmost placement, unchanged base first): chr17-1650819-C-CCCGAT. GRCh37 (hg19) VCF-style: chr17-1554113-C-CCCGAT.
Other names: short protein forms E2331fs.
Identifiers: ClinVar variation 1346521 (VCV001346521.6), dbSNP rs2151108913, ClinGen allele CA2573152962.